The following is an entry in ClinVar:

ClinVar aggregate classification (germline): Likely benign (1 of 4 stars; one submission).

Conditions:
SEMA3F-related disorder. Also called: SEMA3F-related condition.

Submission:

PreventionGenetics, part of Exact Sciences
Classification: Likely benign for SEMA3F-related condition. Last evaluated: 2025-03-18. Review status: criteria provided, single submitter. Criteria: ACMG Guidelines, 2015. Collection method: clinical testing. Allele origin: germline.
Comment: This variant is classified as likely benign based on ACMG/AMP sequence variant interpretation guidelines (Richards et al. 2015 PMID: 25741868, with internal and published modifications).

NM_004186.5(SEMA3F):c.1362A>C (p.Val454=)

Gene: SEMA3F (semaphorin 3F; plus strand). Cytogenetic location: 3p21.31.
Variant type: single nucleotide variant.
Coding change: c.1362A>C on transcript NM_004186.5 (MANE Select); coding-DNA position 1362, A replaced by C.
Protein change: p.Val454=; no amino-acid change (valine 454 retained).
Molecular consequence: synonymous variant.
Genome position (GRCh38, 1-based): chr3:50,184,720, A>C. VCF-style: chr3-50184720-A-C. GRCh37 (hg19) VCF-style: chr3-50222153-A-C.
Other names: c.1065A>C, p.Val355= (NM_001318798.2); c.1269A>C, p.Val423= (NM_001318800.2).
Identifiers: ClinVar variation 4998791 (VCV004998791.1).